The following is an entry in ClinVar:

NM_005751.5(AKAP9):c.6029G>A (p.Cys2010Tyr)

Gene: AKAP9 (A-kinase anchoring protein 9; plus strand). Cytogenetic location: 7q21.2.
Variant type: single nucleotide variant.
Coding change: c.6029G>A on transcript NM_005751.5 (MANE Select); coding-DNA position 6029, G replaced by A.
Protein change: p.Cys2010Tyr; replaces cysteine 2010 with tyrosine.
Molecular consequence: missense variant.
Genome position (GRCh38, 1-based): chr7:92,065,282, G>A. VCF-style: chr7-92065282-G-A. GRCh37 (hg19) VCF-style: chr7-91694596-G-A.
Other names: c.674G>A, p.Cys225Tyr (NM_001379277.1); c.6029G>A, p.Cys2010Tyr (NM_147185.3); c.6029G>A (NM_005751.4); short protein forms C2010Y, C225Y.
Identifiers: ClinVar variation 1480701 (VCV001480701.9), dbSNP rs755029879, ClinGen allele CA4336989.

ClinVar aggregate classification (germline): Conflicting classifications of pathogenicity. Review status: criteria provided, conflicting classifications (1 of 4 stars). 2 submissions from 2 submitters: Uncertain significance (1); Likely benign (1). Last evaluated 2026-01-06.

Conditions:
Long QT syndrome (LQTS). Identifiers: MedGen C0023976, MeSH D008133, MONDO:0002442. Disease mechanism: loss of function. Inheritance: Various modes of inheritance.
Cardiovascular phenotype. Identifiers: MedGen CN230736.

Allele frequency attached by ClinVar (database versions not stated): ExAC 0.00001; gnomAD exomes 0.00001 and 0.00002.
gnomAD v4.1: 13 of 1,612,846 alleles (0.00081%); highest among the groups gnomAD compares: Admixed American, 0.0083%; no homozygotes.

Submissions (2):

Ambry Genetics
Classification: Likely benign for Cardiovascular phenotype. Last evaluated: 2026-01-06. Review status: criteria provided, single submitter. Criteria: Ambry Variant Classification Scheme 2023. Collection method: clinical testing. Allele origin: germline.

Labcorp Genetics (formerly Invitae), Labcorp
Classification: Uncertain significance for Long QT syndrome. Last evaluated: 2025-11-17. Review status: criteria provided, single submitter. Criteria: Invitae Variant Classification Sherloc (09022015). Collection method: clinical testing. Allele origin: germline.
Comment: This sequence change replaces cysteine, which is neutral and slightly polar, with tyrosine, which is neutral and polar, at codon 2010 of the AKAP9 protein (p.Cys2010Tyr). This variant is present in population databases (rs755029879, gnomAD 0.009%). This variant has not been reported in the literature in individuals affected with AKAP9-related conditions. ClinVar contains an entry for this variant (Variation ID: 1480701). An algorithm developed to predict the effect of missense changes on protein structure and function (PolyPhen-2) suggests that this variant is likely to be disruptive. In summary, the available evidence is currently insufficient to determine the role of this variant in disease. Therefore, it has been classified as a Variant of Uncertain Significance.